The following is an entry in ClinVar:

NM_000535.7(PMS2):c.1068G>T (p.Lys356Asn)

Gene: PMS2 (PMS1 homolog 2, mismatch repair system component; minus strand). Cytogenetic location: 7p22.1.
Variant type: single nucleotide variant.
Coding change: c.1068G>T on transcript NM_000535.7 (MANE Select); coding-DNA position 1068, G replaced by T.
Protein change: p.Lys356Asn; replaces lysine 356 with asparagine.
Molecular consequence: missense variant. On other transcripts: non-coding transcript variant (1), intron variant (2).
Genome position (GRCh38, 1-based): chr7:5,989,876, C>A on the plus strand (G>T on the coding strand, the complement: PMS2 is on the minus strand). VCF-style: chr7-5989876-C-A. GRCh37 (hg19) VCF-style: chr7-6029507-C-A.
Other names: c.663G>T, p.Lys221Asn (NM_001322003.2, NM_001322004.2, NM_001322005.2 and 1 more transcripts); c.750G>T, p.Lys250Asn (NM_001322007.2, NM_001322008.2); c.135G>T, p.Lys45Asn (NM_001322011.2, NM_001322012.2); c.495G>T, p.Lys165Asn (NM_001322013.2); c.1068G>T, p.Lys356Asn (NM_001322014.2); c.759G>T, p.Lys253Asn (NM_001322015.2); c.583+2097G>T (NM_001322010.2); c.988+2097G>T (NM_001322006.2); short protein forms K356N, K165N, K221N, K45N, K250N, K253N.
Identifiers: ClinVar variation 1394196 (VCV001394196.10), dbSNP rs528499793, ClinGen allele CA366742874.

ClinVar aggregate classification (germline): Uncertain significance. Review status: criteria provided, multiple submitters, no conflicts (2 of 4 stars). 2 submissions from 2 submitters: Uncertain significance (2). Last evaluated 2022-08-31.

Conditions:
Hereditary nonpolyposis colorectal neoplasms. Identifiers: MedGen C0009405, MeSH D003123.
Hereditary cancer-predisposing syndrome. Also called: Neoplastic Syndromes, Hereditary; Hereditary neoplastic syndrome; Tumor predisposition; Hereditary Cancer Syndrome. Identifiers: Orphanet 140162, MedGen C0027672, MeSH D009386, MONDO:0015356.

Submissions (2):

Labcorp Genetics (formerly Invitae), Labcorp
Classification: Uncertain significance for Hereditary nonpolyposis colorectal neoplasms. Last evaluated: 2022-08-31. Review status: criteria provided, single submitter. Criteria: Invitae Variant Classification Sherloc (09022015). Collection method: clinical testing. Allele origin: germline.
Comment: In summary, the available evidence is currently insufficient to determine the role of this variant in disease. Therefore, it has been classified as a Variant of Uncertain Significance. This variant has not been reported in the literature in individuals affected with PMS2-related conditions. Advanced modeling of protein sequence and biophysical properties (such as structural, functional, and spatial information, amino acid conservation, physicochemical variation, residue mobility, and thermodynamic stability) performed at Invitae indicates that this missense variant is not expected to disrupt PMS2 protein function. ClinVar contains an entry for this variant (Variation ID: 1394196). This variant is not present in population databases (gnomAD no frequency). This sequence change replaces lysine, which is basic and polar, with asparagine, which is neutral and polar, at codon 356 of the PMS2 protein (p.Lys356Asn).

Ambry Genetics
Classification: Uncertain significance for Hereditary cancer-predisposing syndrome. Last evaluated: 2021-03-09. Review status: criteria provided, single submitter. Criteria: Ambry Variant Classification Scheme 2023. Collection method: clinical testing. Allele origin: germline.
Comment: The p.K356N variant (also known as c.1068G>T), located in coding exon 10 of the PMS2 gene, results from a G to T substitution at nucleotide position 1068. The lysine at codon 356 is replaced by asparagine, an amino acid with similar properties. This amino acid position is highly conserved in available vertebrate species. In addition, the in silico prediction for this alteration is inconclusive. Since supporting evidence is limited at this time, the clinical significance of this alteration remains unclear.